The following continues an entry in ClinVar:

NM_002693.3(POLG):c.2209G>C (p.Gly737Arg)

Gene: POLG. ClinVar aggregate classification (germline): Pathogenic/Likely pathogenic. Pathogenic (25); Likely pathogenic (11).

Submissions 38 to 41 of 41:

Division of Human Genetics, Children's Hospital of Philadelphia
Classification: Likely pathogenic for Progressive sclerosing poliodystrophy. Last evaluated: 2016-06-21. Review status: no assertion criteria provided. Collection method: research. Allele origin: paternal. Affected: yes. Study: CSER-PediSeq. Not counted in ClinVar's aggregate classification.

OMIM
Classification: Pathogenic for PROGRESSIVE EXTERNAL OPHTHALMOPLEGIA WITH MITOCHONDRIAL DNA DELETIONS, AUTOSOMAL RECESSIVE 1. Last evaluated: 2006-05-01. Review status: no assertion criteria provided. Collection method: literature only. Allele origin: germline. Not counted in ClinVar's aggregate classification.

Inherited Neuropathy Consortium
Classification: Uncertain significance. Review status: no assertion criteria provided. Collection method: provider interpretation. Allele origin: inherited. Affected: yes. Not counted in ClinVar's aggregate classification.

Practice for Gait Abnormalities, David Pomarino, Competency Network Toe Walking C/o Practice Pomarino
Classification: Likely pathogenic for Tip-toe gait. Last evaluated: 2023-01-10. Review status: flagged submission. Collection method: clinical testing. Allele origin: germline. Affected: yes. Not counted in ClinVar's aggregate classification.
Comment: Hereditary motor sensory neuropathy (HMSN), also known as Charcot-Marie-Tooth Disease (CMT), is the most commonly inherited peripheral polyneuropathy. It constitutes a group of inherited, progressive, motor and sensory peripheral nerve disorders with properties of demyelination, axonal degeneration, or both. It is classified by clinical characteristics, modes of inheritance, electrophysiologic features, metabolic defects, and specific gene markers. Our patients all walk on tiptoe, so they show similar symptoms. When we genetically test them with our toe walking panel, we find that around 90 per cent of them have a genetic variant that explains their toe walking. These can be assigned, for example, to the area of myopathies (such as variants of the COL6A3 gene), the area of hereditary neuropathies (such as variants of the KMT2C gene) or the area of metabolic diseases (such as variants of the PYGM gene). In a smaller group of patients with almost identical symptoms, no abnormality is found in the genes of our panel, but spastic paraplegia can be detected. In another small group of our toe walkers, no abnormalities can be detected in the genes analysed in our toe walking panel, nor do they suffer from spastic paraplegia, as is also the case with healthy children. In contrast to these, however, they show a tiptoe gait. These patients suffer from infantile cerebral palsy, in which toe walking can also be observed.
ClinVar note: Notes: This gene has insufficient supporting evidence for isolated Tip-Toe Gait.
ClinVar note: Reason: Outlier claim with insufficient supporting evidence

Literature cited by the submitters: PubMed 20301791 (cited by Victorian Clinical Genetics Services, Murdoch Childrens Research Institute and Center for Genomic Medicine, Rigshospitalet, Copenhagen University Hospital); PubMed 30843307 (cited by 5 submitters); PubMed 21880868 (cited by 7 submitters); PubMed 18546365 (cited by 11 submitters); PubMed 30451971 (cited by Victorian Clinical Genetics Services, Murdoch Childrens Research Institute); PubMed 16634032 (cited by 13 submitters); PubMed 18585914 (cited by 5 submitters); PubMed 19566497 (cited by 10 submitters); PubMed 24725338 (cited by 7 submitters); PubMed 16621917 (cited by 8 submitters); PubMed 18195151 (cited by 8 submitters); PubMed 1858914 (cited by Mayo Clinic Laboratories, Mayo Clinic); PubMed 20513922 (cited by Mayo Clinic Laboratories, Mayo Clinic); PubMed 22987704 (cited by Mayo Clinic Laboratories, Mayo Clinic and Athena Diagnostics); PubMed 27016405 (cited by 3 submitters); PubMed 27185166 (cited by 4 submitters); PubMed 34062649 (cited by Mayo Clinic Laboratories, Mayo Clinic and Pittsburgh Clinical Genomics Laboratory, University of Pittsburgh Medical Center); PubMed 35114397 (cited by Mayo Clinic Laboratories, Mayo Clinic); PubMed 35699875 (cited by Mayo Clinic Laboratories, Mayo Clinic); PubMed 35799515 (cited by Mayo Clinic Laboratories, Mayo Clinic); PubMed 36332611 (cited by Mayo Clinic Laboratories, Mayo Clinic); PubMed 36987741 (cited by Mayo Clinic Laboratories, Mayo Clinic); PubMed 37189790 (cited by Mayo Clinic Laboratories, Mayo Clinic); PubMed 38772265 (cited by Mayo Clinic Laboratories, Mayo Clinic); PubMed 38845467 (cited by Mayo Clinic Laboratories, Mayo Clinic); PubMed 40062103 (cited by Mayo Clinic Laboratories, Mayo Clinic); PubMed 25356970 (cited by Ambry Genetics and Athena Diagnostics); PubMed 21138766 (cited by 3 submitters); PubMed 19813183 (cited by Athena Diagnostics); PubMed 28812649 (cited by Athena Diagnostics and Mitochondrial Research Group, Newcastle University); PubMed 21824913 (cited by Athena Diagnostics and Pittsburgh Clinical Genomics Laboratory, University of Pittsburgh Medical Center); PubMed 33791913 (cited by Pittsburgh Clinical Genomics Laboratory, University of Pittsburgh Medical Center); PubMed 33486010 (cited by Women's Health and Genetics/Laboratory Corporation of America, LabCorp); PubMed 37091313 (cited by Practice for Gait Abnormalities, David Pomarino, Competency Network Toe Walking C/o Practice Pomarino).